The following is an entry in ClinVar:

NM_002016.2(FLG):c.10205G>A (p.Arg3402Gln)

Genes: CCDST (cervical cancer associated DHX9 suppressive transcript; plus strand), FLG (filaggrin; minus strand). Cytogenetic location: 1q21.3.
Variant type: single nucleotide variant.
Coding change: c.10205G>A on transcript NM_002016.2 (MANE Select); coding-DNA position 10205, G replaced by A.
Protein change: p.Arg3402Gln; replaces arginine 3402 with glutamine.
Molecular consequence: missense variant.
Genome position (GRCh38, 1-based): chr1:152,304,681, C>T on the plus strand (G>A on the coding strand, the complement: FLG is on the minus strand). VCF-style: chr1-152304681-C-T. GRCh37 (hg19) VCF-style: chr1-152277157-C-T.
Other names: short protein forms R3402Q.
Identifiers: ClinVar variation 2639237 (VCV002639237.25), dbSNP rs111684654, ClinGen allele CA1103477.

ClinVar aggregate classification (germline): Conflicting classifications of pathogenicity. Review status: criteria provided, conflicting classifications (1 of 4 stars). 2 submissions from 2 submitters: Uncertain significance (1); Likely benign (1). Last evaluated 2026-02-04.

Allele frequency attached by ClinVar (database versions not stated): 1000 Genomes Project 30x 0.00031; 1000 Genomes Project 0.00040; TOPMed 0.00060; ESP Exome Variant Server 0.00077; gnomAD 0.00125.
gnomAD v4.1: 1,705 of 1,612,020 alleles (0.11%); highest among the groups gnomAD compares: Non-Finnish European, 0.096%; 42 homozygotes.

Submissions (2):

Women's Health and Genetics/Laboratory Corporation of America, LabCorp
Classification: Uncertain significance. Last evaluated: 2026-02-04. Review status: criteria provided, single submitter. Criteria: LabCorp Variant Classification Summary - May 2015. Collection method: clinical testing. Allele origin: germline.
Comment: Variant summary: FLG c.10205G>A (p.Arg3402Gln) results in a conservative amino acid change in the encoded protein sequence. Algorithms developed to predict the effect of missense changes on protein structure and function all suggest that this variant is likely to be tolerated. The variant allele was found at a frequency of 0.0011 in 1612020 control chromosomes, predominantly at a frequency of 0.0067 in the FIN subpopulation, in the gnomAD database, including 42 homozygotes. This global frequency is not significantly higher than estimated for disease-causing variants in FLG, allowing no conclusion about variant significance. c.10205G>A has been observed in an individual affected with sideroblastic anemia with immunodeficiency and severe eczema and in an individual with systemic juvenile idiopathic arthritis with macrophage activation syndrome, without strong evidence of causality (example: Odom_2022, Kaufman_2014). These reports do not provide unequivocal conclusions about association of the variant with Ichthyosis Vulgaris. To our knowledge, no experimental evidence demonstrating an impact on protein function has been reported. The following publications have been ascertained in the context of this evaluation (PMID: 25047945, 34510712). ClinVar contains an entry for this variant (Variation ID: 2639237). Based on the evidence outlined above, the variant was classified as VUS-possibly benign.

CeGaT Center for Human Genetics Tuebingen
Classification: Likely benign. Last evaluated: 2024-02-01. Review status: criteria provided, single submitter. Criteria: CeGaT Center For Human Genetics Tuebingen Variant Classification Criteria Version 2. Collection method: clinical testing. Allele origin: germline. Affected: yes. Observed: 2 variant alleles.
Comment: FLG: BP4, BS2

Literature cited by the submitters: PubMed 25047945 (cited by Women's Health and Genetics/Laboratory Corporation of America, LabCorp); PubMed 34510712 (cited by Women's Health and Genetics/Laboratory Corporation of America, LabCorp).